The following is an entry in ClinVar:

ClinVar aggregate classification (germline): Uncertain significance (1 of 4 stars; one submission).

Conditions:
Nephronophthisis 15 (NPHP15). Identifiers: Orphanet 3156, MedGen C3541853, MONDO:0013917, OMIM 614845.

Allele frequency attached by ClinVar (database versions not stated): gnomAD exomes below 0.00001.
gnomAD v4.1: 2 of 1,610,208 alleles (0.00012%); highest among the groups gnomAD compares: South Asian, 0.0011%; no homozygotes.

Submission:

Labcorp Genetics (formerly Invitae), Labcorp
Classification: Uncertain significance for Nephronophthisis 15. Last evaluated: 2021-01-14. Review status: criteria provided, single submitter. Criteria: Invitae Variant Classification Sherloc (09022015). Collection method: clinical testing. Allele origin: germline.
Comment: This sequence change replaces glutamic acid with lysine at codon 478 of the CEP164 protein (p.Glu478Lys). The glutamic acid residue is weakly conserved and there is a small physicochemical difference between glutamic acid and lysine. This variant is not present in population databases (ExAC no frequency). This variant has not been reported in the literature in individuals with CEP164-related conditions. Algorithms developed to predict the effect of missense changes on protein structure and function (SIFT, PolyPhen-2, Align-GVGD) all suggest that this variant is likely to be tolerated, but these predictions have not been confirmed by published functional studies and their clinical significance is uncertain. In summary, the available evidence is currently insufficient to determine the role of this variant in disease. Therefore, it has been classified as a Variant of Uncertain Significance.

NM_014956.5(CEP164):c.1432G>A (p.Glu478Lys)

Gene: CEP164 (centrosomal protein 164; plus strand). Cytogenetic location: 11q23.3.
Variant type: single nucleotide variant.
Coding change: c.1432G>A on transcript NM_014956.5 (MANE Select); coding-DNA position 1432, G replaced by A.
Protein change: p.Glu478Lys; replaces glutamic acid 478 with lysine.
Molecular consequence: missense variant.
Genome position (GRCh38, 1-based): chr11:117,381,723, G>A. VCF-style: chr11-117381723-G-A. GRCh37 (hg19) VCF-style: chr11-117252439-G-A.
Other names: c.1441G>A, p.Glu481Lys (NM_001271933.2); short protein forms E478K, E481K.
Identifiers: ClinVar variation 1020455 (VCV001020455.9), dbSNP rs1565542472, ClinGen allele CA382742155.
Genomic context (GRCh38, chr11:117,381,723, plus strand): 5'-GAGGGGCCTGACTCTGCTGCTCTGCCCGGCCTGACCAGGTTATCTCCTCCACTTCCACAC[G>A]AGGAGCGGGCCCAGAGTCCCCCTCGCAGCCTGGCCACTGAAGAAGAGCCTCCCCAGGGCC-3'
Protein context (NP_055771.4, residues 468-488): EERLSPPLPH[Glu478Lys]ERAQSPPRSL